The following is an entry in ClinVar:

NM_000474.4(TWIST1):c.454G>C (p.Ala152Pro)

Genes: TWIST1 (twist family bHLH transcription factor 1; minus strand), LOC129998021 (ATAC-STARR-seq lymphoblastoid active region 25682; plus strand). Cytogenetic location: 7p21.1.
Variant type: single nucleotide variant.
Coding change: c.454G>C on transcript NM_000474.4 (MANE Select); coding-DNA position 454, G replaced by C.
Protein change: p.Ala152Pro; replaces alanine 152 with proline.
Molecular consequence: missense variant. On other transcripts: non-coding transcript variant (1).
Genome position (GRCh38, 1-based): chr7:19,116,868, C>G on the plus strand (G>C on the coding strand, the complement: TWIST1 is on the minus strand). VCF-style: chr7-19116868-C-G. GRCh37 (hg19) VCF-style: chr7-19156491-C-G.
Other names: short protein forms A152P.
Identifiers: ClinVar variation 2630238 (VCV002630238.3), dbSNP rs754179756, ClinGen allele CA367015404.

ClinVar aggregate classification (germline): Likely pathogenic. Review status: criteria provided, multiple submitters, no conflicts (2 of 4 stars). 2 submissions from 2 submitters: Likely pathogenic (2). Last evaluated 2024-07-23.

Conditions:
TWIST1-related craniosynostosis (CRS1). Also called: CRANIOSYNOSTOSIS 1. Identifiers: Orphanet 63440, MedGen C4551902, MONDO:0007399, OMIM 123100. Inheritance: Heterogenous inheritance pattern.
Saethre-Chotzen syndrome (SCS). Also called: ACROCEPHALY, SKULL ASYMMETRY, AND MILD SYNDACTYLY; ACS III; CHOTZEN SYNDROME. Identifiers: Orphanet 794, MedGen C0175699, MONDO:0007042, OMIM 101400.
TWIST1-related disorder.

Submissions (2):

Labcorp Genetics (formerly Invitae), Labcorp
Classification: Likely pathogenic for TWIST1-related craniosynostosis; Saethre-Chotzen syndrome. Last evaluated: 2024-07-23. Review status: criteria provided, single submitter. Criteria: Invitae Variant Classification Sherloc (09022015). Collection method: clinical testing. Allele origin: germline.
Comment: This sequence change replaces alanine, which is neutral and non-polar, with proline, which is neutral and non-polar, at codon 152 of the TWIST1 protein (p.Ala152Pro). This variant is not present in population databases (gnomAD no frequency). This missense change has been observed in individuals with clinical features of Saethre-Chotzen syndrome (PMID: 11748846, 24127277). ClinVar contains an entry for this variant (Variation ID: 2630238). An algorithm developed to predict the effect of missense changes on protein structure and function (PolyPhen-2) suggests that this variant is likely to be disruptive. This variant disrupts the p.Ala152 amino acid residue in TWIST1. Other variant(s) that disrupt this residue have been determined to be pathogenic (PMID: 9585583; Invitae). This suggests that this residue is clinically significant, and that variants that disrupt this residue are likely to be disease-causing. In summary, the currently available evidence indicates that the variant is pathogenic, but additional data are needed to prove that conclusively. Therefore, this variant has been classified as Likely Pathogenic.

PreventionGenetics, part of Exact Sciences
Classification: Likely pathogenic for TWIST1-related condition. Last evaluated: 2023-02-08. Review status: criteria provided, single submitter. Criteria: ACMG Guidelines, 2015. Collection method: clinical testing. Allele origin: germline.
Comment: The TWIST1 c.454G>C variant is predicted to result in the amino acid substitution p.Ala152Pro. This variant has been reported in an individual with Saethre-Chotzen syndrome (Elanko et al 2001. PubMed ID: 11748846). Additionally, a different substitution of this same amino acid residue (p.Ala152Val) has been reported in individuals with Saethre-Chotzen syndrome or craniosynostosis (Paznekas et al. 1998. PubMed ID: 9585583; Bukowska-Olech et al. 2022. PubMed ID: 35591945). This variant has not been reported in a large population database, indicating this variant is rare. Given the evidence, we interpret c.454G>C (p.Ala152Pro) as likely pathogenic.

Literature cited by the submitters: PubMed 11748846 (cited by Labcorp Genetics (formerly Invitae), Labcorp); PubMed 24127277 (cited by Labcorp Genetics (formerly Invitae), Labcorp); PubMed 9585583 (cited by Labcorp Genetics (formerly Invitae), Labcorp).